The following is an entry in ClinVar:

ClinVar aggregate classification (germline): Likely pathogenic (1 of 4 stars; one submission).

Conditions:
Neuromuscular disease caused by qualitative or quantitative defects of dysferlin. Also called: Qualitative or quantitative defects of dysferlin; Dysferlinopathy. Identifiers: Orphanet 207073, MedGen C2931687, MONDO:0016145.

Submission:

Labcorp Genetics (formerly Invitae), Labcorp
Classification: Likely pathogenic for Neuromuscular disease caused by qualitative or quantitative defects of dysferlin. Last evaluated: 2022-07-19. Review status: criteria provided, single submitter. Criteria: Invitae Variant Classification Sherloc (09022015). Collection method: clinical testing. Allele origin: germline.
Comment: In summary, the currently available evidence indicates that the variant is pathogenic, but additional data are needed to prove that conclusively. Therefore, this variant has been classified as Likely Pathogenic. Algorithms developed to predict the effect of missense changes on protein structure and function are either unavailable or do not agree on the potential impact of this missense change (SIFT: "Deleterious"; PolyPhen-2: "Probably Damaging"; Align-GVGD: "Class C0"). ClinVar contains an entry for this variant (Variation ID: 471280). A different variant (c.154T>C) giving rise to the same protein effect has been determined to be pathogenic (PMID: 1707005, 18853459, 22194990). This suggests that this variant is also likely to be causative of disease. This variant is not present in population databases (gnomAD no frequency). This sequence change replaces tryptophan, which is neutral and slightly polar, with arginine, which is basic and polar, at codon 52 of the DYSF protein (p.Trp52Arg).

Literature cited by the submitters: PubMed 1707005; PubMed 18853459; PubMed 22194990.

NM_001130987.2(DYSF):c.157T>A (p.Trp53Arg)

Gene: DYSF (dysferlin; plus strand). Cytogenetic location: 2p13.2.
Variant type: single nucleotide variant.
Coding change: c.157T>A on transcript NM_001130987.2 (MANE Select); coding-DNA position 157, T replaced by A.
Protein change: p.Trp53Arg; replaces tryptophan 53 with arginine.
Molecular consequence: missense variant.
Genome position (GRCh38, 1-based): chr2:71,481,888, T>A. VCF-style: chr2-71481888-T-A. GRCh37 (hg19) VCF-style: chr2-71709018-T-A.
Other names: c.157T>A, p.Trp53Arg (NM_001130455.2, NM_001130982.2, NM_001130983.2 and 3 more transcripts); c.154T>A, p.Trp52Arg (NM_001130976.2, NM_001130977.2, NM_001130978.2 and 4 more transcripts); short protein forms W53R, W52R.
Identifiers: ClinVar variation 471280 (VCV000471280.8), dbSNP rs1553508863, ClinGen allele CA347216250.